The following is an entry in ClinVar:

NM_025114.4(CEP290):c.2951A>T (p.Asn984Ile)

Gene: CEP290 (centrosomal protein 290; minus strand). Cytogenetic location: 12q21.32.
Variant type: single nucleotide variant.
Coding change: c.2951A>T on transcript NM_025114.4 (MANE Select); coding-DNA position 2951, A replaced by T.
Protein change: p.Asn984Ile; replaces asparagine 984 with isoleucine.
Molecular consequence: missense variant.
Genome position (GRCh38, 1-based): chr12:88,102,878, T>A on the plus strand (A>T on the coding strand, the complement: CEP290 is on the minus strand). VCF-style: chr12-88102878-T-A. GRCh37 (hg19) VCF-style: chr12-88496655-T-A.
Other names: short protein forms N984I.
Identifiers: ClinVar variation 957522 (VCV000957522.7), dbSNP rs2037998907, ClinGen allele CA385969219.

ClinVar aggregate classification (germline): Uncertain significance. Review status: criteria provided, single submitter (1 of 4 stars). 2 submissions from 2 submitters: Uncertain significance (1). 1 of the submissions does not count toward it. Last evaluated 2022-04-04.

Conditions:
Meckel-Gruber syndrome. Also called: Dysencephalia splachnocystica; DYSENCEPHALIA SPLANCHNOCYSTICA; GRUBER SYNDROME. Identifiers: Orphanet 564, MedGen C0265215, MONDO:0018921.
Nephronophthisis. Also called: Juvenile Nephronophthisis. Identifiers: Orphanet 655, MedGen C0687120, MONDO:0019005, HP:0000090.
Joubert syndrome. Also called: Familial aplasia of the vermis; CEREBELLOPARENCHYMAL DISORDER IV; JOUBERT-BOLTSHAUSER SYNDROME. Identifiers: Orphanet 475, MedGen C5979921, MONDO:0018772.
Leber congenital amaurosis (LCA). Also called: Leber's amaurosis. Identifiers: Orphanet 65, MedGen C0339527, MeSH D057130, MONDO:0018998.

Allele frequency attached by ClinVar (database versions not stated): gnomAD exomes below 0.00001; TOPMed below 0.00001; gnomAD 0.00001.
gnomAD v4.1: 6 of 1,611,002 alleles (0.00037%); highest among the groups gnomAD compares: Admixed American, 0.0084%; no homozygotes.

Submissions (2):

Labcorp Genetics (formerly Invitae), Labcorp
Classification: Uncertain significance for Joubert syndrome; Meckel-Gruber syndrome; Nephronophthisis. Last evaluated: 2022-04-04. Review status: criteria provided, single submitter. Criteria: Invitae Variant Classification Sherloc (09022015). Collection method: clinical testing. Allele origin: germline.
Comment: This sequence change replaces asparagine, which is neutral and polar, with isoleucine, which is neutral and non-polar, at codon 984 of the CEP290 protein (p.Asn984Ile). This variant is not present in population databases (gnomAD no frequency). This variant has not been reported in the literature in individuals affected with CEP290-related conditions. ClinVar contains an entry for this variant (Variation ID: 957522). Algorithms developed to predict the effect of missense changes on protein structure and function are either unavailable or do not agree on the potential impact of this missense change (SIFT: "Deleterious"; PolyPhen-2: "Probably Damaging"; Align-GVGD: "Class C15"). In summary, the available evidence is currently insufficient to determine the role of this variant in disease. Therefore, it has been classified as a Variant of Uncertain Significance.

Natera, Inc.
Classification: Uncertain significance for Leber congenital amaurosis. Last evaluated: 2020-03-02. Review status: no assertion criteria provided. Collection method: clinical testing. Allele origin: germline. Not counted in ClinVar's aggregate classification.